The following is an entry in ClinVar:

NM_001129.5(AEBP1):c.2809+4C>G

Gene: AEBP1 (AE binding protein 1; plus strand). Cytogenetic location: 7p13.
Variant type: single nucleotide variant.
Coding change: c.2809+4C>G on transcript NM_001129.5 (MANE Select); 4 bases into the intron after coding-DNA position 2809, C replaced by G.
Molecular consequence: intron variant.
Genome position (GRCh38, 1-based): chr7:44,113,355, C>G. VCF-style: chr7-44113355-C-G. GRCh37 (hg19) VCF-style: chr7-44152954-C-G.
Identifiers: ClinVar variation 1969398 (VCV001969398.4), dbSNP rs368392974, ClinGen allele CA4238325.

ClinVar aggregate classification (germline): Uncertain significance (1 of 4 stars; one submission).

Allele frequency attached by ClinVar (database versions not stated): gnomAD exomes below 0.00001; ExAC 0.00001; ESP Exome Variant Server 0.00008.
gnomAD v4.1: 1 of 1,609,802 alleles (0.000062%); highest among the groups gnomAD compares: Non-Finnish European, 0.000085%; no homozygotes.

Submission:

Labcorp Genetics (formerly Invitae), Labcorp
Classification: Uncertain significance. Last evaluated: 2023-02-18. Review status: criteria provided, single submitter. Criteria: Invitae Variant Classification Sherloc (09022015). Collection method: clinical testing. Allele origin: germline.
Comment: In summary, the available evidence is currently insufficient to determine the role of this variant in disease. Therefore, it has been classified as a Variant of Uncertain Significance. Variants that disrupt the consensus splice site are a relatively common cause of aberrant splicing (PMID: 17576681, 9536098). Algorithms developed to predict the effect of sequence changes on RNA splicing suggest that this variant is not likely to affect RNA splicing. This variant has not been reported in the literature in individuals affected with AEBP1-related conditions. This variant is present in population databases (rs368392974, gnomAD 0.0009%). This sequence change falls in intron 20 of the AEBP1 gene. It does not directly change the encoded amino acid sequence of the AEBP1 protein. It affects a nucleotide within the consensus splice site.

Literature cited by the submitters: PubMed 17576681; PubMed 9536098.